The following is an entry in ClinVar:

ClinVar aggregate classification (germline): Uncertain significance. Review status: criteria provided, multiple submitters, no conflicts (2 of 4 stars). 2 submissions from 2 submitters: Uncertain significance (2). Last evaluated 2026-07-06.

Conditions:
Hereditary cancer-predisposing syndrome. Also called: Hereditary Cancer Syndrome; Hereditary neoplastic syndrome; Neoplastic Syndromes, Hereditary; Tumor predisposition. Identifiers: Orphanet 140162, MedGen C0027672, MeSH D009386, MONDO:0015356.

Submissions (2):

Ambry Genetics
Classification: Uncertain significance for Hereditary cancer-predisposing syndrome. Last evaluated: 2026-07-06. Review status: criteria provided, single submitter. Criteria: Ambry Variant Classification Scheme 2023. Collection method: clinical testing. Allele origin: germline.
Comment: The p.A829T variant (also known as c.2485G>A), located in coding exon 18 of the MSH3 gene, results from a G to A substitution at nucleotide position 2485. The alanine at codon 829 is replaced by threonine, an amino acid with similar properties. This amino acid position is conserved. In addition, this alteration is predicted to be deleterious by in silico analysis. Based on the available evidence, the clinical significance of this variant remains unclear.

Labcorp Genetics (formerly Invitae), Labcorp
Classification: Uncertain significance. Last evaluated: 2023-09-23. Review status: criteria provided, single submitter. Criteria: Invitae Variant Classification Sherloc (09022015). Collection method: clinical testing. Allele origin: germline.
Comment: This sequence change replaces alanine, which is neutral and non-polar, with threonine, which is neutral and polar, at codon 829 of the MSH3 protein (p.Ala829Thr). This variant is not present in population databases (gnomAD no frequency). This variant has not been reported in the literature in individuals affected with MSH3-related conditions. An algorithm developed to predict the effect of missense changes on protein structure and function (PolyPhen-2) suggests that this variant is likely to be disruptive. In summary, the available evidence is currently insufficient to determine the role of this variant in disease. Therefore, it has been classified as a Variant of Uncertain Significance.

NM_002439.5(MSH3):c.2485G>A (p.Ala829Thr)

Gene: MSH3 (mutS homolog 3; plus strand). Cytogenetic location: 5q14.1.
Variant type: single nucleotide variant.
Coding change: c.2485G>A on transcript NM_002439.5 (MANE Select); coding-DNA position 2485, G replaced by A.
Protein change: p.Ala829Thr; replaces alanine 829 with threonine.
Molecular consequence: missense variant.
Genome position (GRCh38, 1-based): chr5:80,787,614, G>A. VCF-style: chr5-80787614-G-A. GRCh37 (hg19) VCF-style: chr5-80083433-G-A.
Other names: c.2485G>A (NM_002439.3); short protein forms A829T.
Identifiers: ClinVar variation 2752331 (VCV002752331.4), dbSNP rs2546784339, ClinGen allele CA360283200.